The following is an entry in ClinVar:

ClinVar aggregate classification (germline): Likely pathogenic (1 of 4 stars; one submission).

Conditions:
Fanconi renotubular syndrome 1. Also called: Toni-Debre-Fanconi syndrome; Neonatal De Toni-Debre-Fanconi syndrome; De Toni-Fanconi syndrome; FRTS1; LUDER-SHELDON SYNDROME. Identifiers: MedGen C4551503, MONDO:0024525, OMIM 134600.

Submission:

Laboratory of Cyto-molecular Genetics, Department of Anatomy, All India Institute of Medical Sciences (AIIMS), New Delhi
Classification: Likely pathogenic for Fanconi renotubular syndrome 1. Last evaluated: 2022-02-07. Review status: criteria provided, single submitter. Criteria: ACMG Guidelines, 2015. Collection method: clinical testing. Allele origin: de novo. Affected: yes. Observed: 1 variant allele.
Comment: p.(Cys87Arg); missense variant

Literature cited by the submitters: PubMed 35738466.

NM_001482.3(GATM):c.259T>C (p.Cys87Arg)

Gene: GATM (glycine amidinotransferase; minus strand). Cytogenetic location: 15q21.1.
Variant type: single nucleotide variant.
Coding change: c.259T>C on transcript NM_001482.3 (MANE Select); coding-DNA position 259, T replaced by C.
Protein change: p.Cys87Arg; replaces cysteine 87 with arginine.
Molecular consequence: missense variant. On other transcripts: 5 prime UTR variant (1).
Genome position (GRCh38, 1-based): chr15:45,376,630, A>G on the plus strand (T>C on the coding strand, the complement: GATM is on the minus strand). VCF-style: chr15-45376630-A-G. GRCh37 (hg19) VCF-style: chr15-45668828-A-G.
Other names: c.-129T>C (NM_001321015.2); short protein forms C87R.
Identifiers: ClinVar variation 1339450 (VCV001339450.3), dbSNP rs2140657166, ClinGen allele CA392264972.